The following is an entry in ClinVar:

NM_002485.5(NBN):c.2156_2157insTT (p.Leu719_Glu720insTer)

Gene: NBN (nibrin; minus strand). Cytogenetic location: 8q21.3.
Variant type: Insertion.
Coding change: c.2156_2157insTT on transcript NM_002485.5 (MANE Select); coding-DNA positions 2156 to 2157, TT inserted.
Protein change: p.Leu719_Glu720insTer.
Molecular consequence: frameshift variant.
Genome position: GRCh38 VCF-style: chr8-89943280-T-TAA. GRCh37 (hg19) VCF-style: chr8-90955508-T-TAA.
Other names: c.1910_1911insTT, p.Leu637_Glu638insTer (NM_001024688.3).
Identifiers: ClinVar variation 2763039 (VCV002763039.3), dbSNP rs1586035111, ClinGen allele CA2697550004.
Genomic context (GRCh38, chr8:89,943,280, plus strand): 5'-TAAGCAAGTTTCTGGGCCTCACTTCCTACTAACCTCCATTTCCTGCCTTAGCCACTCTTC[T>TAA]AGTTCTGTATTCTTTCGAGCATGATGAGCTATTAGATCTGATCCTCCAATGATGTGTGGA-3'

ClinVar aggregate classification (germline): Pathogenic (1 of 4 stars; one submission).

Conditions:
Microcephaly, normal intelligence and immunodeficiency (NBS). Also called: IMMUNODEFICIENCY, MICROCEPHALY, AND CHROMOSOMAL INSTABILITY; SEEMANOVA SYNDROME II; Nijmegen breakage syndrome; Microcephaly with normal intelligence immunodeficiency and lymphoreticular malignancies; Nonsyndromal microcephaly autosomal recessive with normal intelligence; Seemanova syndrome 2. Identifiers: Orphanet 647, MedGen C0398791, MONDO:0009623, OMIM 251260.

Submission:

Labcorp Genetics (formerly Invitae), Labcorp
Classification: Pathogenic for Microcephaly, normal intelligence and immunodeficiency. Last evaluated: 2023-09-24. Review status: criteria provided, single submitter. Criteria: Invitae Variant Classification Sherloc (09022015). Collection method: clinical testing. Allele origin: germline.
Comment: For these reasons, this variant has been classified as Pathogenic. This variant has not been reported in the literature in individuals affected with NBN-related conditions. This variant is not present in population databases (gnomAD no frequency). This sequence change creates a premature translational stop signal (p.Glu720*) in the NBN gene. It is expected to result in an absent or disrupted protein product. Loss-of-function variants in NBN are known to be pathogenic (PMID: 9590180, 16415040).

Literature cited by the submitters: PubMed 9590180; PubMed 16415040.